The following is an entry in ClinVar:

NM_000090.4(COL3A1):c.3740G>C (p.Ser1247Thr)

Gene: COL3A1 (collagen type III alpha 1 chain; plus strand). Cytogenetic location: 2q32.2.
Variant type: single nucleotide variant.
Coding change: c.3740G>C on transcript NM_000090.4 (MANE Select); coding-DNA position 3740, G replaced by C.
Protein change: p.Ser1247Thr; replaces serine 1247 with threonine.
Molecular consequence: missense variant.
Genome position (GRCh38, 1-based): chr2:189,009,138, G>C. VCF-style: chr2-189009138-G-C. GRCh37 (hg19) VCF-style: chr2-189873864-G-C.
Other names: short protein forms S1247T.
Identifiers: ClinVar variation 1722499 (VCV001722499.1), dbSNP rs2469166389, ClinGen allele CA349847475.

ClinVar aggregate classification (germline): Uncertain significance (1 of 4 stars; one submission).

gnomAD v4.1: 1 of 1,614,178 alleles (0.000062%); no homozygotes.

Submission:

Women's Health and Genetics/Laboratory Corporation of America, LabCorp
Classification: Uncertain significance. Last evaluated: 2022-09-26. Review status: criteria provided, single submitter. Criteria: LabCorp Variant Classification Summary - May 2015. Collection method: clinical testing. Allele origin: germline.
Comment: Variant summary: COL3A1 c.3740G>C (p.Ser1247Thr) results in a conservative amino acid change located in the C-terminal domain (IPR000885) of the encoded protein sequence. Four of four in-silico tools predict a benign effect of the variant on protein function. The variant was absent in 251310 control chromosomes. The available data on variant occurrences in the general population are insufficient to allow any conclusion about variant significance. To our knowledge, no occurrence of c.3740G>C in individuals affected with Ehlers-Danlos Syndrome, Vascular Type and no experimental evidence demonstrating its impact on protein function have been reported. No clinical diagnostic laboratories have submitted clinical-significance assessments for this variant to ClinVar after 2014. Based on the evidence outlined above, the variant was classified as uncertain significance.